The following is an entry in ClinVar:

NM_000064.4(C3):c.2642G>A (p.Arg881His)

Gene: C3 (complement C3; minus strand). Cytogenetic location: 19p13.3.
Variant type: single nucleotide variant.
Coding change: c.2642G>A on transcript NM_000064.4 (MANE Select); coding-DNA position 2642, G replaced by A.
Protein change: p.Arg881His; replaces arginine 881 with histidine.
Molecular consequence: missense variant.
Genome position (GRCh38, 1-based): chr19:6,697,498, C>T on the plus strand (G>A on the coding strand, the complement: C3 is on the minus strand). VCF-style: chr19-6697498-C-T. GRCh37 (hg19) VCF-style: chr19-6697509-C-T.
Other names: short protein forms R881H.
Identifiers: ClinVar variation 988246 (VCV000988246.12), dbSNP rs1443451793, ClinGen allele CA403633250.

ClinVar aggregate classification (germline): Uncertain significance. Review status: criteria provided, multiple submitters, no conflicts (2 of 4 stars). 4 submissions from 4 submitters: Uncertain significance (3). 1 of the submissions does not count toward it. Last evaluated 2025-11-01.

Conditions:
Atypical hemolytic-uremic syndrome. Identifiers: Orphanet 2134, MedGen C2931788, MONDO:0016244.
Complement component 3 deficiency. Identifiers: Orphanet 280133, MedGen C3151071, MONDO:0013417, OMIM 613779.
Atypical hemolytic-uremic syndrome with C3 anomaly. Also called: AHUS, SUSCEPTIBILITY TO, 5. Identifiers: Orphanet 2134, MedGen C2752037, MONDO:0013043, OMIM 612925.
Age related macular degeneration 9. Identifiers: MedGen C1969651, MONDO:0012659, OMIM 611378.

Allele frequency attached by ClinVar (database versions not stated): gnomAD 0.00001; gnomAD exomes 0.00002 and 0.00004; TOPMed 0.00002.

Submissions (4):

Labcorp Genetics (formerly Invitae), Labcorp
Classification: Uncertain significance. Last evaluated: 2025-11-01. Review status: criteria provided, single submitter. Criteria: Invitae Variant Classification Sherloc (09022015). Collection method: clinical testing. Allele origin: germline.
Comment: This sequence change replaces arginine, which is basic and polar, with histidine, which is basic and polar, at codon 881 of the C3 protein (p.Arg881His). This variant is present in population databases (no rsID available, gnomAD 0.004%). This variant has not been reported in the literature in individuals affected with C3-related conditions. ClinVar contains an entry for this variant (Variation ID: 988246). Invitae Evidence Modeling of protein sequence and biophysical properties (such as structural, functional, and spatial information, amino acid conservation, physicochemical variation, residue mobility, and thermodynamic stability) indicates that this missense variant is expected to disrupt C3 protein function with a positive predictive value of 80%. In summary, the available evidence is currently insufficient to determine the role of this variant in disease. Therefore, it has been classified as a Variant of Uncertain Significance.

Blueprint Genetics
Classification: Uncertain significance. Last evaluated: 2024-06-03. Review status: criteria provided, single submitter. Criteria: ACMG Guidelines, 2015. Collection method: clinical testing. Allele origin: germline.

Fulgent Genetics
Classification: Uncertain significance for Age related macular degeneration 9; Atypical hemolytic-uremic syndrome with C3 anomaly; Complement component 3 deficiency. Last evaluated: 2024-01-01. Review status: criteria provided, single submitter. Criteria: ACMG Guidelines, 2015. Collection method: clinical testing. Allele origin: germline.

Sydney Genome Diagnostics, Children's Hospital Westmead
Classification: Uncertain significance for Atypical hemolytic-uremic syndrome. Last evaluated: 2019-06-24. Review status: no assertion criteria provided. Collection method: clinical testing. Allele origin: unknown. Affected: yes. Observed: 1 variant allele, 1 heterozygote. Not counted in ClinVar's aggregate classification.
Comment: To our knowledge, this variant has not been previously reported in the literature or any disease specific databases to be a disease causing variant. This variant has been reported in the gnomAD browser with a very low allele frequency of 0.0024% (6 out of 251,470 alleles). In silico analysis of pathogenicity (through Alamut Visual v2.8.1) is inconclusive regarding this change; PolyPhen2 and SIFT predicts it to be likely pathogenic whereas MutationTaster predicts this variant to be benign. This variant is considered to be a variant of uncertain clinical significance (VOUS) according to the ACMG guidelines (Evidence used: PM2).